The following is an entry in ClinVar:

ClinVar aggregate classification (germline): Uncertain significance (1 of 4 stars; one submission).

gnomAD v4.1: 7 of 1,613,806 alleles (0.00043%); highest among the groups gnomAD compares: Non-Finnish European, 0.00059%; no homozygotes.

Submission:

GeneDx
Classification: Uncertain significance. Last evaluated: 2026-03-31. Review status: criteria provided, single submitter. Criteria: GeneDx Variant Classification Process June 2021. Collection method: clinical testing. Allele origin: germline.
Comment: In silico analysis supports that this missense variant has a deleterious effect on protein structure/function; Has not been previously published as pathogenic or benign to our knowledge; This substitution is predicted to be within the extracellular loop between the S1 and S2 transmembrane segments of the third homologous domain

NM_001330260.2(SCN8A):c.3676A>G (p.Lys1226Glu)

Gene: SCN8A (sodium voltage-gated channel alpha subunit 8; plus strand). Cytogenetic location: 12q13.13.
Variant type: single nucleotide variant.
Coding change: c.3676A>G on transcript NM_001330260.2 (MANE Select); coding-DNA position 3676, A replaced by G.
Protein change: p.Lys1226Glu; replaces lysine 1226 with glutamic acid.
Molecular consequence: missense variant.
Genome position (GRCh38, 1-based): chr12:51,774,219, A>G. VCF-style: chr12-51774219-A-G. GRCh37 (hg19) VCF-style: chr12-52168003-A-G.
Other names: c.3676A>G, p.Lys1226Glu (NM_001177984.3, NM_001369788.1, NM_014191.4); short protein forms K1226E.
Identifiers: ClinVar variation 5018077 (VCV005018077.1).